The following is an entry in ClinVar:

NM_014956.5(CEP164):c.2655C>T (p.Thr885=)

Gene: CEP164 (centrosomal protein 164; plus strand). Cytogenetic location: 11q23.3.
Variant type: single nucleotide variant.
Coding change: c.2655C>T on transcript NM_014956.5 (MANE Select); coding-DNA position 2655, C replaced by T.
Protein change: p.Thr885=; no amino-acid change (threonine 885 retained).
Molecular consequence: synonymous variant.
Genome position (GRCh38, 1-based): chr11:117,394,388, C>T. VCF-style: chr11-117394388-C-T. GRCh37 (hg19) VCF-style: chr11-117265104-C-T.
Other names: p.Thr885=; c.2664C>T, p.Thr888= (NM_001271933.2).
Identifiers: ClinVar variation 260479 (VCV000260479.15), dbSNP rs61737637, ClinGen allele CA6295175.

ClinVar aggregate classification (germline): Benign/Likely benign. Review status: criteria provided, multiple submitters, no conflicts (2 of 4 stars). 5 submissions from 5 submitters: Benign (2); Likely benign (3). Last evaluated 2026-01-24.

Conditions:
Nephronophthisis 15 (NPHP15). Identifiers: Orphanet 3156, MedGen C3541853, MONDO:0013917, OMIM 614845.

Allele frequency attached by ClinVar (database versions not stated): gnomAD exomes 0.00080; ExAC 0.00153; 1000 Genomes Project 0.00300; 1000 Genomes Project 30x 0.00344; gnomAD 0.00388 and 0.00422; TOPMed 0.00395; ESP Exome Variant Server 0.00439.
gnomAD v4.1: 1,145 of 1,610,564 alleles (0.071%); highest among the groups gnomAD compares: African/African-American, 1.4%; 10 homozygotes.

Submissions (5):

Labcorp Genetics (formerly Invitae), Labcorp
Classification: Benign for Nephronophthisis 15. Last evaluated: 2026-01-24. Review status: criteria provided, single submitter. Criteria: Invitae Variant Classification Sherloc (09022015). Collection method: clinical testing. Allele origin: germline.

Blueprint Genetics
Classification: Likely benign. Last evaluated: 2024-11-26. Review status: criteria provided, single submitter. Criteria: ACMG Guidelines, 2015. Collection method: clinical testing. Allele origin: germline.

Mayo Clinic Laboratories, Mayo Clinic
Classification: Likely benign. Last evaluated: 2024-09-27. Review status: criteria provided, single submitter. Criteria: ACMG Guidelines, 2015. Collection method: clinical testing. Allele origin: germline. Observed: 2 variant alleles.
Comment: BP4, BP7

Fulgent Genetics
Classification: Likely benign for Nephronophthisis 15. Last evaluated: 2021-08-31. Review status: criteria provided, single submitter. Criteria: ACMG Guidelines, 2015. Collection method: clinical testing. Allele origin: unknown.

PreventionGenetics, part of Exact Sciences
Classification: Benign. Review status: criteria provided, single submitter. Criteria: ACMG Guidelines, 2015. Collection method: clinical testing. Allele origin: germline.